The following is an entry in ClinVar:

ClinVar aggregate classification (germline): Uncertain significance (1 of 4 stars; one submission).

Conditions:
Familial adenomatous polyposis 1 (FAP1). Also called: FAMILIAL ADENOMATOUS POLYPOSIS 1, ATTENUATED; POLYPOSIS, ADENOMATOUS INTESTINAL. Identifiers: MedGen C2713442, MONDO:0021056, OMIM 175100. Disease mechanism: loss of function.

Submission:

Labcorp Genetics (formerly Invitae), Labcorp
Classification: Uncertain significance for Familial adenomatous polyposis 1. Last evaluated: 2025-07-31. Review status: criteria provided, single submitter. Criteria: Invitae Variant Classification Sherloc (09022015). Collection method: clinical testing. Allele origin: germline.
Comment: This variant occurs in a non-coding region of the APC gene. It does not change the encoded amino acid sequence of the APC protein. This variant is not present in population databases (gnomAD no frequency). This variant has not been reported in the literature in individuals affected with APC-related conditions. Experimental studies and prediction algorithms are not available or were not evaluated, and the functional significance of this variant is currently unknown. In summary, the available evidence is currently insufficient to determine the role of this variant in disease. Therefore, it has been classified as a Variant of Uncertain Significance.

NC_000005.10:g.112707481_112707483del

Genes: APC (APC regulator of Wnt signaling pathway; plus strand), LOC129994371 (ATAC-STARR-seq lymphoblastoid active region 22910; plus strand). Cytogenetic location: 5q22.2.
Variant type: Deletion.
Genome position: GRCh38 VCF-style: chr5-112707478-GCAA-G. GRCh37 (hg19) VCF-style: chr5-112043175-GCAA-G.
Identifiers: ClinVar variation 1008223 (VCV001008223.8), dbSNP rs1750567053, ClinGen allele CA1573442347.